The following is an entry in ClinVar:

ClinVar aggregate classification (germline): Uncertain significance. Review status: criteria provided, multiple submitters, no conflicts (2 of 4 stars). 2 submissions from 2 submitters: Uncertain significance (2). Last evaluated 2025-01-18.

Conditions:
Inborn genetic diseases. Identifiers: MedGen C0950123, MeSH D030342.

Submissions (2):

Ambry Genetics
Classification: Uncertain significance for Inborn genetic diseases. Last evaluated: 2025-01-18. Review status: criteria provided, single submitter. Criteria: Ambry Variant Classification Scheme 2023. Collection method: clinical testing. Allele origin: germline.

Labcorp Genetics (formerly Invitae), Labcorp
Classification: Uncertain significance. Last evaluated: 2024-12-06. Review status: criteria provided, single submitter. Criteria: Invitae Variant Classification Sherloc (09022015). Collection method: clinical testing. Allele origin: germline.
Comment: This sequence change replaces arginine, which is basic and polar, with histidine, which is basic and polar, at codon 63 of the TECTA protein (p.Arg63His). This variant is present in population databases (no rsID available, gnomAD 0.01%). This variant has not been reported in the literature in individuals affected with TECTA-related conditions. Invitae Evidence Modeling of protein sequence and biophysical properties (such as structural, functional, and spatial information, amino acid conservation, physicochemical variation, residue mobility, and thermodynamic stability) indicates that this missense variant is not expected to disrupt TECTA protein function with a negative predictive value of 95%. In summary, the available evidence is currently insufficient to determine the role of this variant in disease. Therefore, it has been classified as a Variant of Uncertain Significance.

NM_005422.4(TECTA):c.188G>A (p.Arg63His)

Genes: TBCEL-TECTA (TBCEL-TECTA readthrough; plus strand), TECTA (tectorin alpha; plus strand). Cytogenetic location: 11q23.3.
Variant type: single nucleotide variant.
Coding change: c.188G>A on transcript NM_005422.4 (MANE Select); coding-DNA position 188, G replaced by A.
Protein change: p.Arg63His; replaces arginine 63 with histidine.
Molecular consequence: missense variant.
Genome position (GRCh38, 1-based): chr11:121,105,954, G>A. VCF-style: chr11-121105954-G-A. GRCh37 (hg19) VCF-style: chr11-120976663-G-A.
Other names: c.1145G>A, p.Arg382His (NM_001378761.1); c.188G>A (NM_005422.2); short protein forms R382H, R63H.
Identifiers: ClinVar variation 3608661 (VCV003608661.3).
Genomic context (GRCh38, chr11:121,105,954, plus strand): 5'-ATGGAAGCTCATCTGAGATTAAGTTGGCCATCCCAGTTTTCTTCTTTGGCGTTCCTTACC[G>A]CACTGTCTATGTAAGTGGAGAAGCAGCCCATCTGTTGTTCTCTGGCCCTCCCTTTTGTTT-3'
Protein context (NP_005413.2, residues 53-73): IPVFFFGVPY[Arg63His]TVYVNNNGVV